The following is an entry in ClinVar:

NM_021098.3(CACNA1H):c.3770T>C (p.Val1257Ala)

Gene: CACNA1H (calcium voltage-gated channel subunit alpha1 H; plus strand). Cytogenetic location: 16p13.3.
Variant type: single nucleotide variant.
Coding change: c.3770T>C on transcript NM_021098.3 (MANE Select); coding-DNA position 3770, T replaced by C.
Protein change: p.Val1257Ala; replaces valine 1257 with alanine.
Molecular consequence: missense variant.
Genome position (GRCh38, 1-based): chr16:1,210,060, T>C. VCF-style: chr16-1210060-T-C. GRCh37 (hg19) VCF-style: chr16-1260060-T-C.
Other names: c.3770T>C, p.Val1257Ala (NM_001005407.2); c.3770T>C (NM_021098.2); short protein forms V1257A.
Identifiers: ClinVar variation 1517537 (VCV001517537.9), dbSNP rs2141335147, ClinGen allele CA394175489.

ClinVar aggregate classification (germline): Uncertain significance. Review status: criteria provided, multiple submitters, no conflicts (2 of 4 stars). 2 submissions from 2 submitters: Uncertain significance (2). Last evaluated 2025-12-15.

Conditions:
Idiopathic generalized epilepsy. Also called: Generalised epilepsy; EIG. Identifiers: MedGen C0270850, MONDO:0005579, OMIM 600669.
Hyperaldosteronism, familial, type IV (HALD4). Also called: FH IV; ALDOSTERONISM, PRIMARY, AND HYPERTENSION. Identifiers: Orphanet 642671, MedGen C4310756, MONDO:0014875, OMIM 617027.
Inborn genetic diseases. Identifiers: MedGen C0950123, MeSH D030342.

Submissions (2):

Ambry Genetics
Classification: Uncertain significance for Inborn genetic diseases. Last evaluated: 2025-12-15. Review status: criteria provided, single submitter. Criteria: Ambry Variant Classification Scheme 2023. Collection method: clinical testing. Allele origin: germline.

Labcorp Genetics (formerly Invitae), Labcorp
Classification: Uncertain significance for Idiopathic generalized epilepsy; Hyperaldosteronism, familial, type IV. Last evaluated: 2021-03-19. Review status: criteria provided, single submitter. Criteria: Invitae Variant Classification Sherloc (09022015). Collection method: clinical testing. Allele origin: germline.
Comment: In summary, the available evidence is currently insufficient to determine the role of this variant in disease. Therefore, it has been classified as a Variant of Uncertain Significance. Advanced modeling of protein sequence and biophysical properties (such as structural, functional, and spatial information, amino acid conservation, physicochemical variation, residue mobility, and thermodynamic stability) performed at Invitae indicates that this missense variant is not expected to disrupt CACNA1H protein function. This variant has not been reported in the literature in individuals with CACNA1H-related conditions. This variant is not present in population databases (ExAC no frequency). This sequence change replaces valine with alanine at codon 1257 of the CACNA1H protein (p.Val1257Ala). The valine residue is moderately conserved and there is a small physicochemical difference between valine and alanine.